The following is an entry in ClinVar:

NM_001166108.2(PALLD):c.1762A>G (p.Asn588Asp)

Gene: PALLD (palladin, cytoskeletal associated protein; plus strand). Cytogenetic location: 4q32.3.
Variant type: single nucleotide variant.
Coding change: c.1762A>G on transcript NM_001166108.2 (MANE Select); coding-DNA position 1762, A replaced by G.
Protein change: p.Asn588Asp; replaces asparagine 588 with aspartic acid.
Molecular consequence: missense variant.
Genome position (GRCh38, 1-based): chr4:168,711,721, A>G. VCF-style: chr4-168711721-A-G. GRCh37 (hg19) VCF-style: chr4-169632872-A-G.
Other names: c.616A>G, p.Asn206Asp (NM_001166109.2); c.1762A>G, p.Asn588Asp (NM_016081.4); short protein forms N206D, N588D.
Identifiers: ClinVar variation 1779601 (VCV001779601.2), dbSNP rs928047889, ClinGen allele CA110497316.
Genomic context (GRCh38, chr4:168,711,721, plus strand): 5'-ATCTTGGAGACAAGTTCCTTGGAGTTGGCTTCAAAGAAACCATCTGAGATCCAGCAGGTG[A>G]ACAACCCTGAGTTAGGCCTGAGCAGGGCAGCCCTTCAAATGCAATTCAATGCTGCTGAGA-3'
Protein context (NP_001159580.1, residues 578-598): SKKPSEIQQV[Asn588Asp]NPELGLSRAA

ClinVar aggregate classification (germline): Uncertain significance (1 of 4 stars; one submission).

Allele frequency attached by ClinVar (database versions not stated): gnomAD exomes below 0.00001; gnomAD 0.00002; TOPMed 0.00002.
gnomAD v4.1: 5 of 1,614,090 alleles (0.00031%); highest among the groups gnomAD compares: African/African-American, 0.0053%; no homozygotes.

Submission:

Ambry Genetics
Classification: Uncertain significance. Last evaluated: 2023-12-01. Review status: criteria provided, single submitter. Criteria: Ambry Variant Classification Scheme 2023. Collection method: clinical testing. Allele origin: germline.
Comment: The p.N588D variant (also known as c.1762A>G), located in coding exon 9 of the PALLD gene, results from an A to G substitution at nucleotide position 1762. The asparagine at codon 588 is replaced by aspartic acid, an amino acid with highly similar properties. This amino acid position is conserved. In addition, this alteration is predicted to be tolerated by in silico analysis. Since supporting evidence is limited at this time, the clinical significance of this alteration remains unclear.